The following is an entry in ClinVar:

NM_000091.5(COL4A3):c.4001G>A (p.Gly1334Glu)

Genes: MFF-DT (MFF divergent transcript; minus strand), COL4A3 (collagen type IV alpha 3 chain; plus strand). Cytogenetic location: 2q36.3.
Variant type: single nucleotide variant.
Coding change: c.4001G>A on transcript NM_000091.5 (MANE Select); coding-DNA position 4001, G replaced by A.
Protein change: p.Gly1334Glu; replaces glycine 1334 with glutamic acid.
Molecular consequence: missense variant.
Genome position (GRCh38, 1-based): chr2:227,303,904, G>A. VCF-style: chr2-227303904-G-A. GRCh37 (hg19) VCF-style: chr2-228168620-G-A.
Other names: short protein forms G1334E.
Identifiers: ClinVar variation 1455985 (VCV001455985.40), dbSNP rs375290088, ClinGen allele CA2147419.

ClinVar aggregate classification (germline): Pathogenic. Review status: criteria provided, multiple submitters, no conflicts (2 of 4 stars). 8 submissions from 8 submitters: Pathogenic (8). Last evaluated 2025-08-13.

Conditions:
Hematuria. Identifiers: MedGen C0018965, HP:0000790.
Alport syndrome 3b, autosomal recessive. Identifiers: MedGen C5882699, MONDO:0957811, OMIM 620536.
Alport syndrome. Also called: Hemorrhagic familial nephritis; Hemorrhagic hereditary nephritis; Congenital hereditary hematuria. Identifiers: Orphanet 63, MedGen C1567741, MONDO:0018965.
Autosomal dominant Alport syndrome (ATS3A). Also called: Alport syndrome dominant type; Renal failure and sensorineural hearing loss; ALPORT SYNDROME 3A, AUTOSOMAL DOMINANT. Identifiers: Orphanet 63, Orphanet 88918, MedGen C5882663, MONDO:0007086, OMIM 104200.
Hematuria, benign familial, 2 (BFH2). Identifiers: MedGen C5830421, MONDO:0958186, OMIM 620320.
Autosomal recessive Alport syndrome (ATS2). Also called: COL4A3-Related Nephropathy; COL4A4 Alport Syndrome and Thin Basement Membrane Nephropathy; ALPORT SYNDROME 2, AUTOSOMAL RECESSIVE; Alport syndrome type 2. Identifiers: Orphanet 63, Orphanet 88919, MedGen C4746745, MONDO:0008762, OMIM 203780.

Allele frequency attached by ClinVar (database versions not stated): gnomAD exomes below 0.00001 and 0.00001; gnomAD 0.00001; TOPMed 0.00001; ExAC 0.00002; ESP Exome Variant Server 0.00008.
gnomAD v4.1: 3 of 1,614,084 alleles (0.00019%); highest among the groups gnomAD compares: African/African-American, 0.0027%; no homozygotes.

Submissions (8):

Natera, Inc.
Classification: Pathogenic for Alport syndrome. Last evaluated: 2025-08-13. Review status: criteria provided, single submitter. Criteria: Natera Variant Classification Schema (03/2026). Collection method: clinical testing. Allele origin: germline.
Comment: The c.4001G>A variant in COL4A3 is a missense variant predicted to cause substitution of glycine to glutamic acid at amino acid 1334. This variant is rare in the general population with a frequency below the threshold expected for the associated phenotype(s). This variant has been observed in one or more individuals affected with the associated recessive disease, as either homozygous or compound heterozygous with a second variant (PMID: 24262798, 17942953). This variant has been observed in affected individual(s) with monoallelic occurrence (heterozygous/hemizygous) (PMID: 17942953, 26138234). This variant has been observed to segregate in affected family members (PMID: 17942953, 26138234). Functional studies show that this variant may disrupt protein function (PMID: 24262798). This variant is located in a functionally critical region of the protein. Computational prediction algorithms indicate this variant is likely to affect gene or protein function. Given the available evidence, this variant is classified as Pathogenic.

Genetics Laboratory, Great Ormond Street Hospital NHS Foundation Trust, North Thames Genomic Laboratory Hub
Classification: Pathogenic for Haematuria. Last evaluated: 2025-08-07. Review status: criteria provided, single submitter. Criteria: ACGS Best Practice Guidelines for Variant Classification in Rare Disease 2024 v1.2. Collection method: clinical testing. Allele origin: germline. Affected: yes.
Comment: PS4_moderate, PM2_moderate, PP3_supporting, PM1_strong, PP4_supporting

Labcorp Genetics (formerly Invitae), Labcorp
Classification: Pathogenic. Last evaluated: 2025-02-17. Review status: criteria provided, single submitter. Criteria: Invitae Variant Classification Sherloc (09022015). Collection method: clinical testing. Allele origin: germline.
Comment: This sequence change replaces glycine, which is neutral and non-polar, with glutamic acid, which is acidic and polar, at codon 1334 of the COL4A3 protein (p.Gly1334Glu). This variant is present in population databases (rs375290088, gnomAD 0.007%). This missense change has been observed in individuals with autosomal dominant and recessive COL4A3-related conditions (PMID: 11134255, 26138234). It has also been observed to segregate with disease in related individuals. ClinVar contains an entry for this variant (Variation ID: 1455985). Invitae Evidence Modeling of protein sequence and biophysical properties (such as structural, functional, and spatial information, amino acid conservation, physicochemical variation, residue mobility, and thermodynamic stability) indicates that this missense variant is expected to disrupt COL4A3 protein function with a positive predictive value of 80%. Experimental studies have shown that this missense change affects COL4A3 function (PMID: 24262798). For these reasons, this variant has been classified as Pathogenic.

Genomic Medicine Center of Excellence, King Faisal Specialist Hospital and Research Centre
Classification: Pathogenic for Alport syndrome 3b, autosomal recessive. Last evaluated: 2024-04-04. Review status: criteria provided, single submitter. Criteria: ACMG Guidelines, 2015. Collection method: clinical testing. Allele origin: germline.

Fulgent Genetics
Classification: Pathogenic for Autosomal dominant Alport syndrome; Hematuria, benign familial, 2; Alport syndrome 3b, autosomal recessive. Last evaluated: 2024-03-21. Review status: criteria provided, single submitter. Criteria: ACMG Guidelines, 2015. Collection method: clinical testing. Allele origin: germline.

CeGaT Center for Human Genetics Tuebingen
Classification: Pathogenic. Last evaluated: 2023-03-01. Review status: criteria provided, single submitter. Criteria: CeGaT Center For Human Genetics Tuebingen Variant Classification Criteria Version 2. Collection method: clinical testing. Allele origin: germline. Affected: yes. Observed: 1 variant allele.
Comment: COL4A3: PM1:Strong, PP1:Strong, PM2, PS4:Moderate, PS3:Supporting

GeneDx
Classification: Pathogenic. Last evaluated: 2022-10-19. Review status: criteria provided, single submitter. Criteria: GeneDx Variant Classification Process June 2021. Collection method: clinical testing. Allele origin: germline. Affected: yes.
Comment: Observed in the heterozygous state in multiple individuals with focal segmental glomerulosclerosis and thin basement membrane nephropathy in published literature (Voskarides et al., 2008; Pierides et al., 2009); Published functional studies demonstrate defective collagen trafficking and possible ER stress-related apoptosis (Pieri et al., 2014); Affects a glycine residue in a Gly-X-Y motif in the triple helical region of the COL4A3 gene, where the majority of pathogenic missense variants occur, and is predicted to disrupt normal protein folding and function (Stenson et al., 2014; Jais et al., 2000); Not observed at significant frequency in large population cohorts (gnomAD); In silico analysis supports that this missense variant has a deleterious effect on protein structure/function; This variant is associated with the following publications: (PMID: 18439107, 28977688, 26138234, 18661361, 19525337, 30099615, 25514610, 11134255, 19357112, 24262798, 33718859, 24077912, 10752524)

Women's Health and Genetics/Laboratory Corporation of America, LabCorp
Classification: Pathogenic for Autosomal recessive Alport syndrome. Last evaluated: 2022-06-20. Review status: criteria provided, single submitter. Criteria: LabCorp Variant Classification Summary - May 2015. Collection method: clinical testing. Allele origin: germline.
Comment: Variant summary: COL4A3 c.4001G>A (p.Gly1334Glu) results in a non-conservative amino acid change located in the Collagen triple helix repeat (IPR008160) of the encoded protein sequence. Five of five in-silico tools predict a damaging effect of the variant on protein function. The variant allele was found at a frequency of 8e-06 in 249558 control chromosomes (gnomAD and publication data). c.4001G>A has been reported in the literature in multiple individuals affected with Alport Syndrome or familial microscopic hematuria due to thin basement membrane nephropathy, and this variant segregated with the disease (Heidet_2001, Papazachariou_2014, Stefanou_2015). These data indicate that the variant is very likely to be associated with disease. Functional studies report this variant showed retention of mutant collagens and differential activation of the unfolded protein response cascade (Pieri_2014, Papazachariou_2014). One ClinVar submitter (evaluation after 2014) cites the variant as pathogenic. Based on the evidence outlined above, the variant was classified as pathogenic.

Literature cited by the submitters: PubMed 24262798 (cited by 3 submitters); PubMed 17942953 (cited by Natera, Inc.); PubMed 26138234 (cited by 3 submitters); PubMed 11134255 (cited by Labcorp Genetics (formerly Invitae), Labcorp and Women's Health and Genetics/Laboratory Corporation of America, LabCorp); PubMed 25514610 (cited by Women's Health and Genetics/Laboratory Corporation of America, LabCorp).